The following is an entry in ClinVar:

NM_178554.6(KY):c.969C>T (p.Asn323=)

Genes: CEP63 (centrosomal protein 63; plus strand), KY (kyphoscoliosis peptidase; minus strand). Cytogenetic location: 3q22.2.
Variant type: single nucleotide variant.
Coding change: c.969C>T on transcript NM_178554.6 (MANE Select); coding-DNA position 969, C replaced by T.
Protein change: p.Asn323=; no amino-acid change (asparagine 323 retained).
Molecular consequence: synonymous variant.
Genome position (GRCh38, 1-based): chr3:134,608,770, G>A on the plus strand (C>T on the coding strand, the complement: KY is on the minus strand). VCF-style: chr3-134608770-G-A. GRCh37 (hg19) VCF-style: chr3-134327612-G-A.
Other names: p.Asn323=; c.921C>T, p.Asn307= (NM_001350859.2); c.843C>T, p.Asn281= (NM_001350860.2); c.906C>T, p.Asn302= (NM_001366276.1); c.969C>T, p.Asn323= (NM_001366277.2).
Identifiers: ClinVar variation 738716 (VCV000738716.6), dbSNP rs200174527, ClinGen allele CA2629121.

ClinVar aggregate classification (germline): Likely benign. Review status: criteria provided, multiple submitters, no conflicts (2 of 4 stars). 3 submissions from 3 submitters: Likely benign (2). 1 of the submissions does not count toward it. Last evaluated 2025-08-20.

Conditions:
KY-related disorder. Also called: KY-related condition.

Allele frequency attached by ClinVar (database versions not stated): gnomAD 0.00004; gnomAD exomes 0.00007 and 0.00009; ESP Exome Variant Server 0.00008; ExAC 0.00004; TOPMed 0.00005.
gnomAD v4.1: 107 of 1,613,938 alleles (0.0066%); highest among the groups gnomAD compares: Middle Eastern, 0.082%; no homozygotes.

Submissions (3):

Mayo Clinic Laboratories, Mayo Clinic
Classification: Likely benign. Last evaluated: 2025-08-20. Review status: criteria provided, single submitter. Criteria: ACMG Guidelines, 2015. Collection method: clinical testing. Allele origin: germline. Observed: 1 variant allele.
Comment: BP4, BP7

Labcorp Genetics (formerly Invitae), Labcorp
Classification: Likely benign. Last evaluated: 2018-03-29. Review status: criteria provided, single submitter. Criteria: Invitae Variant Classification Sherloc (09022015). Collection method: clinical testing. Allele origin: germline.

PreventionGenetics, part of Exact Sciences
Classification: Likely benign for KY-related condition. Last evaluated: 2023-11-22. Review status: no assertion criteria provided. Collection method: clinical testing. Allele origin: germline. Not counted in ClinVar's aggregate classification.
Comment: This variant is classified as likely benign based on ACMG/AMP sequence variant interpretation guidelines (Richards et al. 2015 PMID: 25741868, with internal and published modifications).